The following is an entry in ClinVar:

ClinVar aggregate classification (germline): Benign/Likely benign. Review status: criteria provided, multiple submitters, no conflicts (2 of 4 stars). 5 submissions from 4 submitters: Benign (3); Likely benign (2). Last evaluated 2026-02-02.

Conditions:
Developmental and epileptic encephalopathy, 14 (DEE14). Also called: Early infantile epileptic encephalopathy 14. Identifiers: Orphanet 293181, MedGen C3554195, MONDO:0013989, OMIM 614959.
Autosomal dominant nocturnal frontal lobe epilepsy 5. Also called: KCNT1-Related Epilepsy; CILIARY DYSKINESIA, PRIMARY, 28, WITHOUT SITUS INVERSUS; CILIARY DYSKINESIA, PRIMARY, 28, WITH SITUS INVERSUS; Epilepsy, nocturnal frontal lobe, 5. Identifiers: Orphanet 98784, MedGen C3554306, MONDO:0014002, OMIM 615005.

Allele frequency attached by ClinVar (database versions not stated): 1000 Genomes Project 30x 0.00031; 1000 Genomes Project 0.00040; ExAC 0.00040; ESP Exome Variant Server 0.00008; gnomAD exomes 0.00020; gnomAD 0.00024; TOPMed 0.00029.
gnomAD v4.1: 328 of 1,566,830 alleles (0.021%); highest among the groups gnomAD compares: Admixed American, 0.073%; 2 homozygotes.

Submissions (5):

Labcorp Genetics (formerly Invitae), Labcorp
Classification: Benign for Autosomal dominant nocturnal frontal lobe epilepsy 5; Developmental and epileptic encephalopathy, 14. Last evaluated: 2026-02-02. Review status: criteria provided, single submitter. Criteria: Invitae Variant Classification Sherloc (09022015). Collection method: clinical testing. Allele origin: germline.

Blueprint Genetics
Classification: Likely benign. Last evaluated: 2024-11-05. Review status: criteria provided, single submitter. Criteria: ACMG Guidelines, 2015. Collection method: clinical testing. Allele origin: germline.

Genome-Nilou Lab
Classification: Benign for Developmental and epileptic encephalopathy, 14. Last evaluated: 2022-03-15. Review status: criteria provided, single submitter. Criteria: ACMG Guidelines, 2015. Collection method: clinical testing. Allele origin: germline. Affected: no.

Genome-Nilou Lab
Classification: Benign for Autosomal dominant nocturnal frontal lobe epilepsy 5. Last evaluated: 2022-03-15. Review status: criteria provided, single submitter. Criteria: ACMG Guidelines, 2015. Collection method: clinical testing. Allele origin: germline. Affected: no.

GeneDx
Classification: Likely benign. Last evaluated: 2017-09-01. Review status: criteria provided, single submitter. Criteria: GeneDx Variant Classification (06012015). Collection method: clinical testing. Allele origin: germline. Affected: yes.
Comment: This variant is considered likely benign or benign based on one or more of the following criteria: it is a conservative change, it occurs at a poorly conserved position in the protein, it is predicted to be benign by multiple in silico algorithms, and/or has population frequency not consistent with disease.

NM_020822.3(KCNT1):c.3502+18G>A

Gene: KCNT1 (potassium sodium-activated channel subfamily T member 1; plus strand). Cytogenetic location: 9q34.3.
Variant type: single nucleotide variant.
Coding change: c.3502+18G>A on transcript NM_020822.3 (MANE Select); 18 bases into the intron after coding-DNA position 3502, G replaced by A.
Molecular consequence: intron variant.
Genome position (GRCh38, 1-based): chr9:135,786,539, G>A. VCF-style: chr9-135786539-G-A. GRCh37 (hg19) VCF-style: chr9-138678385-G-A.
Other names: c.3367+18G>A (NM_001272003.2).
Identifiers: ClinVar variation 388675 (VCV000388675.11), dbSNP rs374991913, ClinGen allele CA5327840.